The following is an entry in ClinVar:

NM_007289.4(MME):c.1282G>T (p.Val428Leu)

Gene: MME (membrane metalloendopeptidase; plus strand). Cytogenetic location: 3q25.2.
Variant type: single nucleotide variant.
Coding change: c.1282G>T on transcript NM_007289.4 (MANE Select); coding-DNA position 1282, G replaced by T.
Protein change: p.Val428Leu; replaces valine 428 with leucine.
Molecular consequence: missense variant.
Genome position (GRCh38, 1-based): chr3:155,143,536, G>T. VCF-style: chr3-155143536-G-T. GRCh37 (hg19) VCF-style: chr3-154861325-G-T.
Other names: c.1282G>T, p.Val428Leu (NM_000902.5, NM_001354642.2, NM_001354643.1 and 2 more transcripts); short protein forms V428L.
Identifiers: ClinVar variation 1512951 (VCV001512951.8), dbSNP rs201362716, ClinGen allele CA355130453.

ClinVar aggregate classification (germline): Uncertain significance (1 of 4 stars; one submission).

Submission:

Labcorp Genetics (formerly Invitae), Labcorp
Classification: Uncertain significance. Last evaluated: 2022-01-21. Review status: criteria provided, single submitter. Criteria: Invitae Variant Classification Sherloc (09022015). Collection method: clinical testing. Allele origin: germline.
Comment: This variant has not been reported in the literature in individuals affected with MME-related conditions. This sequence change replaces valine, which is neutral and non-polar, with leucine, which is neutral and non-polar, at codon 428 of the MME protein (p.Val428Leu). This variant is not present in population databases (gnomAD no frequency). Algorithms developed to predict the effect of missense changes on protein structure and function (SIFT, PolyPhen-2, Align-GVGD) all suggest that this variant is likely to be tolerated. In summary, the available evidence is currently insufficient to determine the role of this variant in disease. Therefore, it has been classified as a Variant of Uncertain Significance.